The following is an entry in ClinVar:

NM_004370.6(COL12A1):c.4419G>T (p.Leu1473Phe)

Gene: COL12A1 (collagen type XII alpha 1 chain; minus strand). Cytogenetic location: 6q13.
Variant type: single nucleotide variant.
Coding change: c.4419G>T on transcript NM_004370.6 (MANE Select); coding-DNA position 4419, G replaced by T.
Protein change: p.Leu1473Phe; replaces leucine 1473 with phenylalanine.
Molecular consequence: missense variant.
Genome position (GRCh38, 1-based): chr6:75,146,243, C>A on the plus strand (G>T on the coding strand, the complement: COL12A1 is on the minus strand). VCF-style: chr6-75146243-C-A. GRCh37 (hg19) VCF-style: chr6-75855959-C-A.
Other names: c.927G>T, p.Leu309Phe (NM_080645.3); short protein forms L309F, L1473F.
Identifiers: ClinVar variation 2127259 (VCV002127259.5), dbSNP rs2533363960, ClinGen allele CA364744176.
Genomic context (GRCh38, chr6:75,146,243, plus strand): 5'-CTGCACATGCATGGTGGTAGGGCCAACATCATAAATATTCAGGCTGACTACAGGCACTGG[C>A]ACTTCCAAAACAGAAAAGCAGACCATCAGTCTAGTTCCTTTCATTCCACTCATTTTTAAC-3'
Protein context (NP_004361.3, residues 1463-1483): SEPLKGTEKT[Leu1473Phe]PVPVVSLNIY

ClinVar aggregate classification (germline): Uncertain significance (1 of 4 stars; one submission).

Conditions:
Bethlem myopathy 2 (BTHLM2). Identifiers: Orphanet 536516, Orphanet 610, MedGen C4225313, MONDO:0034022, OMIM 616471.
Ullrich congenital muscular dystrophy 2 (UCMD2). Identifiers: Orphanet 75840, MedGen C4225314, MONDO:0014654, OMIM 616470.

gnomAD v4.1: 2 of 1,595,150 alleles (0.00013%); highest among the groups gnomAD compares: Non-Finnish European, 0.00017%; no homozygotes.

Submissions (2):

Labcorp Genetics (formerly Invitae), Labcorp
Classification: Uncertain significance for Bethlem myopathy 2; Ullrich congenital muscular dystrophy 2. Last evaluated: 2022-04-17. Review status: criteria provided, single submitter. Criteria: Invitae Variant Classification Sherloc (09022015). Collection method: clinical testing. Allele origin: germline.
Comment: This variant is not present in population databases (gnomAD no frequency). This sequence change replaces leucine, which is neutral and non-polar, with phenylalanine, which is neutral and non-polar, at codon 1473 of the COL12A1 protein (p.Leu1473Phe). This variant has not been reported in the literature in individuals affected with COL12A1-related conditions. Algorithms developed to predict the effect of missense changes on protein structure and function (SIFT, PolyPhen-2, Align-GVGD) all suggest that this variant is likely to be tolerated. In summary, the available evidence is currently insufficient to determine the role of this variant in disease. Therefore, it has been classified as a Variant of Uncertain Significance.

Dr. Peter K. Rogan Lab, Western University
No classification provided (evidence only). Condition: Familial prostate cancer. Review status: no classification provided. Collection method: in vitro. Allele origin: not applicable. Functional consequence: cryptic splice site. Not counted in ClinVar's aggregate classification.